The following is an entry in ClinVar:

NM_005219.5(DIAPH1):c.484C>T (p.Leu162Phe)

Gene: DIAPH1 (diaphanous related formin 1; minus strand). Cytogenetic location: 5q31.3.
Variant type: single nucleotide variant.
Coding change: c.484C>T on transcript NM_005219.5 (MANE Select); coding-DNA position 484, C replaced by T.
Protein change: p.Leu162Phe; replaces leucine 162 with phenylalanine.
Molecular consequence: missense variant.
Genome position (GRCh38, 1-based): chr5:141,583,534, G>A on the plus strand (C>T on the coding strand, the complement: DIAPH1 is on the minus strand). VCF-style: chr5-141583534-G-A. GRCh37 (hg19) VCF-style: chr5-140963101-G-A.
Other names: c.457C>T, p.Leu153Phe (NM_001079812.3); c.484C>T, p.Leu162Phe (NM_001314007.2); short protein forms L153F, L162F.
Identifiers: ClinVar variation 4855321 (VCV004855321.1).
Genomic context (GRCh38, chr5:141,583,534, plus strand): 5'-AGAATCCTCACCTGACAGGGTTGTTGTTGAGAGACACACGAAGGGACTCCAGGCAGCTGA[G>A]CAGAGGCATATCCCGCAAGCCTGACCTCAACTCCTGAATATACATCATGGCAGACTTAGA-3'
Protein context (NP_005210.3, residues 152-172): LRSGLRDMPL[Leu162Phe]SCLESLRVSL

ClinVar aggregate classification (germline): Uncertain significance (1 of 4 stars; one submission).

Conditions:
Autosomal dominant nonsyndromic hearing loss 1. Also called: DEAFNESS, AUTOSOMAL DOMINANT 1, WITH OR WITHOUT THROMBOCYTOPENIA; KONIGSMARK SYNDROME. Identifiers: Orphanet 90635, MedGen C1852282, MONDO:0007424, OMIM 124900.

Submission:

3billion
Classification: Uncertain significance for Autosomal dominant nonsyndromic hearing loss 1. Last evaluated: 2025-05-15. Review status: criteria provided, single submitter. Criteria: ACMG Guidelines, 2015. Collection method: clinical testing. Allele origin: germline. Affected: yes.
Comment: The variant is not observed in the gnomAD v4.1.0 dataset. Predicted Consequence/Location: Missense variant. The majority of the known disease-causing variants of this gene are variants expected to result in premature termination of the protein. In silico tool predictions suggest damaging effect of the variant on gene or gene product [REVEL: 0.63 (>=0.6, sensitivity 0.68 and specificity 0.92)]. Therefore, this variant is classified as VUS according to the recommendation of ACMG/AMP guideline.